The following is an entry in ClinVar:

NM_000447.3(PSEN2):c.53C>T (p.Thr18Met)

Gene: PSEN2 (presenilin 2; plus strand). Cytogenetic location: 1q42.13.
Variant type: single nucleotide variant.
Coding change: c.53C>T on transcript NM_000447.3 (MANE Select); coding-DNA position 53, C replaced by T.
Protein change: p.Thr18Met; replaces threonine 18 with methionine.
Molecular consequence: missense variant.
Genome position (GRCh38, 1-based): chr1:226,881,960, C>T. VCF-style: chr1-226881960-C-T. GRCh37 (hg19) VCF-style: chr1-227069661-C-T.
Other names: p.Thr18Met; c.53C>T, p.Thr18Met (NM_012486.3); short protein forms T18M.
Identifiers: ClinVar variation 872950 (VCV000872950.8), dbSNP rs143061887, ClinGen allele CA1424373.

ClinVar aggregate classification (germline): Uncertain significance. Review status: criteria provided, multiple submitters, no conflicts (2 of 4 stars). 5 submissions from 5 submitters: Uncertain significance (4). 1 of the submissions does not count toward it. Last evaluated 2026-01-20.

Conditions:
Vascular dementia. Identifiers: MedGen C0011269, MeSH D015140, MONDO:0004648.
Alzheimer disease 4 (AD4). Identifiers: Orphanet 1020, MedGen C1847200, MONDO:0011743, OMIM 606889.
PSEN2-related disorder. Also called: PSEN2-related condition.

Allele frequency attached by ClinVar (database versions not stated): ExAC 0.00002; gnomAD exomes 0.00002 and 0.00003; gnomAD 0.00005 and 0.00006; TOPMed 0.00005; ESP Exome Variant Server 0.00015.
gnomAD v4.1: 56 of 1,613,970 alleles (0.0035%); highest among the groups gnomAD compares: African/African-American, 0.0067%; no homozygotes.

Submissions (5):

PreventionGenetics, part of Exact Sciences
Classification: Uncertain significance for PSEN2-related condition. Last evaluated: 2026-01-20. Review status: criteria provided, single submitter. Criteria: ACMG Guidelines, 2015. Collection method: clinical testing. Allele origin: germline.
Comment: The PSEN2 c.53C>T variant is predicted to result in the amino acid substitution p.Thr18Met. This variant has been reported in a heterozygous individual presenting with Parkinson's disease (Table 1, Blauwendraat et al. 2016. PubMed ID: 26522186) and in a patient presenting with early age of onset cerebral small vessel disease who was also positive for a potentially relevant missense variant in COL4A1 (Patient 156, Table 2, Mönkäre et al. 2021. PubMed ID: 33268848). This variant is reported in 0.0040% of alleles in individuals of African descent in gnomAD. At this time, the clinical significance of this variant is uncertain due to the absence of conclusive functional and genetic evidence.

Mayo Clinic Laboratories, Mayo Clinic
Classification: Uncertain significance. Last evaluated: 2025-10-23. Review status: criteria provided, single submitter. Criteria: ACMG Guidelines, 2015. Collection method: clinical testing. Allele origin: germline. Observed: 1 variant allele.

Women's Health and Genetics/Laboratory Corporation of America, LabCorp
Classification: Uncertain significance. Last evaluated: 2024-09-04. Review status: criteria provided, single submitter. Criteria: LabCorp Variant Classification Summary - May 2015. Collection method: clinical testing. Allele origin: germline.
Comment: Variant summary: PSEN2 c.53C>T (p.Thr18Met) results in a non-conservative amino acid change in the encoded protein sequence. Five of five in-silico tools predict a damaging effect of the variant on protein function. The variant allele was found at a frequency of 3.5e-05 in 1613970 control chromosomes. This frequency is not significantly higher than estimated for a pathogenic variant in PSEN2 causing Alzheimer Disease 4, allowing no conclusion about variant significance. These reports do not provide unequivocal conclusions about association of the variant with Alzheimer Disease 4. To our knowledge, no experimental evidence demonstrating an impact on protein function has been reported. The following publications have been ascertained in the context of this evaluation (PMID: 26522186, 33268848). ClinVar contains an entry for this variant (Variation ID: 872950). Based on the evidence outlined above, the variant was classified as uncertain significance.

Labcorp Genetics (formerly Invitae), Labcorp
Classification: Uncertain significance for Alzheimer disease 4. Last evaluated: 2024-04-29. Review status: criteria provided, single submitter. Criteria: Invitae Variant Classification Sherloc (09022015). Collection method: clinical testing. Allele origin: germline.
Comment: This sequence change replaces threonine, which is neutral and polar, with methionine, which is neutral and non-polar, at codon 18 of the PSEN2 protein (p.Thr18Met). This variant is present in population databases (rs143061887, gnomAD 0.004%). This variant has not been reported in the literature in individuals affected with PSEN2-related conditions. ClinVar contains an entry for this variant (Variation ID: 872950). An algorithm developed to predict the effect of missense changes on protein structure and function (PolyPhen-2) suggests that this variant is likely to be disruptive. In summary, the available evidence is currently insufficient to determine the role of this variant in disease. Therefore, it has been classified as a Variant of Uncertain Significance.

Myllykangas group, University of Helsinki
Classification: Uncertain significance for Vascular dementia. Last evaluated: 2020-04-01. Review status: no assertion criteria provided. Collection method: research. Allele origin: germline. Affected: yes. Not counted in ClinVar's aggregate classification.

Literature cited by the submitters: PubMed 26522186 (cited by Mayo Clinic Laboratories, Mayo Clinic and Women's Health and Genetics/Laboratory Corporation of America, LabCorp); PubMed 28243073 (cited by Mayo Clinic Laboratories, Mayo Clinic); PubMed 30412492 (cited by Mayo Clinic Laboratories, Mayo Clinic); PubMed 32087291 (cited by Mayo Clinic Laboratories, Mayo Clinic); PubMed 33268848 (cited by 3 submitters); PubMed 39559858 (cited by Mayo Clinic Laboratories, Mayo Clinic); PubMed 39875235 (cited by Mayo Clinic Laboratories, Mayo Clinic).